The following is an entry in ClinVar:

ClinVar aggregate classification (germline): Likely benign. Review status: criteria provided, multiple submitters, no conflicts (2 of 4 stars). 2 submissions from 2 submitters: Likely benign (2). Last evaluated 2026-01-25.

Conditions:
Myasthenic syndrome, congenital, 22 (CMS22). Also called: PREPL DEFICIENCY. Identifiers: MedGen C4479088, MONDO:0044299, OMIM 616224.

Allele frequency attached by ClinVar (database versions not stated): TOPMed 0.00022; 1000 Genomes Project 0.00060; gnomAD 0.00070; 1000 Genomes Project 30x 0.00094.

Submissions (2):

Labcorp Genetics (formerly Invitae), Labcorp
Classification: Likely benign for Myasthenic syndrome, congenital, 22. Last evaluated: 2026-01-25. Review status: criteria provided, single submitter. Criteria: Invitae Variant Classification Sherloc (09022015). Collection method: clinical testing. Allele origin: germline.

Mayo Clinic Laboratories, Mayo Clinic
Classification: Likely benign. Last evaluated: 2025-10-22. Review status: criteria provided, single submitter. Criteria: ACMG Guidelines, 2015. Collection method: clinical testing. Allele origin: germline. Observed: 1 variant allele.
Comment: BS1, BP4_moderate

NM_001171613.2(PREPL):c.68A>G (p.Asn23Ser)

Gene: PREPL (prolyl endopeptidase like; minus strand). Cytogenetic location: 2p21.
Variant type: single nucleotide variant.
Coding change: c.68A>G on transcript NM_001171613.2 (MANE Select); coding-DNA position 68, A replaced by G.
Protein change: p.Asn23Ser; replaces asparagine 23 with serine.
Molecular consequence: missense variant.
Genome position (GRCh38, 1-based): chr2:44,346,275, T>C on the plus strand (A>G on the coding strand, the complement: PREPL is on the minus strand). VCF-style: chr2-44346275-T-C. GRCh37 (hg19) VCF-style: chr2-44573414-T-C.
Other names: p.Asn112Ser; c.335A>G, p.Asn112Ser (NM_001042385.2, NM_001042386.2, NM_001171603.1 and 4 more transcripts); c.68A>G, p.Asn23Ser (NM_001171617.1, NM_001374277.1); short protein forms N112S, N23S.
Identifiers: ClinVar variation 544542 (VCV000544542.11), dbSNP rs138377728, ClinGen allele CA1641660.
Genomic context (GRCh38, chr2:44,346,275, plus strand): 5'-CATCTTGATTGGTAATATCAAAAATTTTTTTTTAAAGACATGAGATATCTTACTTCCACA[T>C]TGATGATTTCATATTCTTCTTGTGGCTGTGTTTCTAATTTTGTTCTCACTTTTTCAAATG-3'
Protein context (NP_001165084.1, residues 13-33): TQPQEEYEII[Asn23Ser]VEVKHGGFVY